The following is an entry in ClinVar:

NM_001367624.2(ZNF469):c.1698C>T (p.Ala566=)

Gene: ZNF469 (zinc finger protein 469; plus strand). Cytogenetic location: 16q24.2.
Variant type: single nucleotide variant.
Coding change: c.1698C>T on transcript NM_001367624.2 (MANE Select); coding-DNA position 1698, C replaced by T.
Protein change: p.Ala566=; no amino-acid change (alanine 566 retained).
Molecular consequence: synonymous variant.
Genome position (GRCh38, 1-based): chr16:88,429,168, C>T. VCF-style: chr16-88429168-C-T. GRCh37 (hg19) VCF-style: chr16-88495576-C-T.
Other names: NM_001127464.1:c.1698C>T.
Identifiers: ClinVar variation 2185438 (VCV002185438.7), dbSNP rs767246206, ClinGen allele CA8224698.

ClinVar aggregate classification (germline): Likely benign. Review status: criteria provided, multiple submitters, no conflicts (2 of 4 stars). 4 submissions from 4 submitters: Likely benign (4). Last evaluated 2026-09-01.

Conditions:
Cardiovascular phenotype. Identifiers: MedGen CN230736.

Allele frequency attached by ClinVar (database versions not stated): gnomAD 0.00001; gnomAD exomes 0.00002; TOPMed 0.00002; ExAC 0.00008.
gnomAD v4.1: 27 of 1,549,806 alleles (0.0017%); highest among the groups gnomAD compares: Admixed American, 0.0059%; no homozygotes.

Submissions (4):

CeGaT Center for Human Genetics Tuebingen
Classification: Likely benign. Last evaluated: 2026-09-01. Review status: criteria provided, single submitter. Criteria: CeGaT Center For Human Genetics Tuebingen Variant Classification Criteria Version 2. Collection method: clinical testing. Allele origin: germline. Affected: yes. Observed: 1 variant allele.
Comment: ZNF469: BP4, BP7

Women's Health and Genetics/Laboratory Corporation of America, LabCorp
Classification: Likely benign. Last evaluated: 2026-06-15. Review status: criteria provided, single submitter. Criteria: LabCorp Variant Classification Summary - May 2015. Collection method: clinical testing. Allele origin: germline.

Labcorp Genetics (formerly Invitae), Labcorp
Classification: Likely benign. Last evaluated: 2025-02-11. Review status: criteria provided, single submitter. Criteria: Invitae Variant Classification Sherloc (09022015). Collection method: clinical testing. Allele origin: germline.

Ambry Genetics
Classification: Likely benign for Cardiovascular phenotype. Last evaluated: 2024-10-14. Review status: criteria provided, single submitter. Criteria: Ambry Variant Classification Scheme 2023. Collection method: clinical testing. Allele origin: germline.